The following is an entry in ClinVar:

ClinVar aggregate classification (germline): Uncertain significance (1 of 4 stars; one submission).

gnomAD v4.1: 34 of 1,612,866 alleles (0.0021%); highest among the groups gnomAD compares: Non-Finnish European, 0.0028%; no homozygotes.

Submission:

Labcorp Genetics (formerly Invitae), Labcorp
Classification: Uncertain significance. Last evaluated: 2025-09-18. Review status: criteria provided, single submitter. Criteria: Invitae Variant Classification Sherloc (09022015). Collection method: clinical testing. Allele origin: germline.
Comment: This sequence change replaces alanine, which is neutral and non-polar, with valine, which is neutral and non-polar, at codon 808 of the MYLK3 protein (p.Ala808Val). This variant is not present in population databases (gnomAD no frequency). This variant has not been reported in the literature in individuals affected with MYLK3-related conditions. ClinVar contains an entry for this variant (Variation ID: 3620633). An algorithm developed to predict the effect of missense changes on protein structure and function (PolyPhen-2) suggests that this variant is likely to be disruptive. In summary, the available evidence is currently insufficient to determine the role of this variant in disease. Therefore, it has been classified as a Variant of Uncertain Significance.

NM_182493.3(MYLK3):c.2423C>T (p.Ala808Val)

Gene: MYLK3 (myosin light chain kinase 3; minus strand). Cytogenetic location: 16q11.2.
Variant type: single nucleotide variant.
Coding change: c.2423C>T on transcript NM_182493.3 (MANE Select); coding-DNA position 2423, C replaced by T.
Protein change: p.Ala808Val; replaces alanine 808 with valine.
Molecular consequence: missense variant.
Genome position (GRCh38, 1-based): chr16:46,707,741, G>A on the plus strand (C>T on the coding strand, the complement: MYLK3 is on the minus strand). VCF-style: chr16-46707741-G-A. GRCh37 (hg19) VCF-style: chr16-46741653-G-A.
Other names: c.1400C>T, p.Ala467Val (NM_001308301.1); short protein forms A467V, A808V.
Identifiers: ClinVar variation 3620633 (VCV003620633.2).